The following is an entry in ClinVar:

NM_003072.5(SMARCA4):c.1525G>A (p.Ala509Thr)

Gene: SMARCA4 (SWI/SNF related BAF chromatin remodeling complex subunit ATPase 4; plus strand). Cytogenetic location: 19p13.2.
Variant type: single nucleotide variant.
Coding change: c.1525G>A on transcript NM_003072.5 (MANE Select); coding-DNA position 1525, G replaced by A.
Protein change: p.Ala509Thr; replaces alanine 509 with threonine.
Molecular consequence: missense variant. On other transcripts: non-coding transcript variant (1).
Genome position (GRCh38, 1-based): chr19:10,994,933, G>A. VCF-style: chr19-10994933-G-A. GRCh37 (hg19) VCF-style: chr19-11105609-G-A.
Other names: c.1525G>A, p.Ala509Thr (NM_001128844.3, NM_001128845.2, NM_001128846.2 and 6 more transcripts); short protein forms A509T.
Identifiers: ClinVar variation 1774519 (VCV001774519.3), dbSNP rs1263541939, ClinGen allele CA404062182.
Genomic context (GRCh38, chr19:10,994,933, plus strand): 5'-TATCACAGATCCGTCACAGGCAAAATCCAGAAGCTGACCAAGGCAGTGGCCACGTACCAT[G>A]CCAACACGGAGCGGGAGCAGAAGAAAGAGAACGAGCGGATCGAGAAGGAGCGCATGCGGA-3'
Protein context (NP_003063.2, residues 499-519): KLTKAVATYH[Ala509Thr]NTEREQKKEN

ClinVar aggregate classification (germline): Uncertain significance (1 of 4 stars; one submission).

Conditions:
Hereditary cancer-predisposing syndrome. Also called: Hereditary Cancer Syndrome; Hereditary neoplastic syndrome; Neoplastic Syndromes, Hereditary; Tumor predisposition. Identifiers: Orphanet 140162, MedGen C0027672, MeSH D009386, MONDO:0015356.

Allele frequency attached by ClinVar (database versions not stated): gnomAD exomes below 0.00001.

Submission:

Ambry Genetics
Classification: Uncertain significance for Hereditary cancer-predisposing syndrome. Last evaluated: 2023-02-27. Review status: criteria provided, single submitter. Criteria: Ambry Variant Classification Scheme 2023. Collection method: clinical testing. Allele origin: germline.
Comment: The p.A509T variant (also known as c.1525G>A), located in coding exon 8 of the SMARCA4 gene, results from a G to A substitution at nucleotide position 1525. The alanine at codon 509 is replaced by threonine, an amino acid with similar properties. This amino acid position is highly conserved in available vertebrate species. In addition, the in silico prediction for this alteration is inconclusive. Missense and in-frame variants in SMARCA4 are known to cause neurodevelopmental disorders; however, such associations with rhabdoid tumor predisposition syndrome including small cell carcinoma of the ovary-hypercalcemic type (SCCOHT) are exceedingly rare (Kosho T et al. Am J Med Genet C Semin Med Genet. 2014 Sep;166C(3):262-75; Jelinic P et al. Nat Genet. 2014 May;46(5):424-6). Based on the supporting evidence, the association of this alteration with Coffin-Siris syndrome is unknown; however, the association of this alteration with rhabdoid tumor predisposition syndrome is unlikely.